The following is an entry in ClinVar:

ClinVar aggregate classification (germline): Uncertain significance (1 of 4 stars; one submission).

Conditions:
Aortic aneurysm, familial thoracic 8 (AAT8). Identifiers: MedGen C3809513, MONDO:0014187, OMIM 615436.

Submission:

Labcorp Genetics (formerly Invitae), Labcorp
Classification: Uncertain significance for Aortic aneurysm, familial thoracic 8. Last evaluated: 2025-05-01. Review status: criteria provided, single submitter. Criteria: Invitae Variant Classification Sherloc (09022015). Collection method: clinical testing. Allele origin: germline.
Comment: This sequence change creates a premature translational stop signal (p.Asp665Glufs*4) in the PRKG1 gene. While this is not anticipated to result in nonsense mediated decay, it is expected to disrupt the last 22 amino acid(s) of the PRKG1 protein. This variant is not present in population databases (gnomAD no frequency). This variant has not been reported in the literature in individuals affected with PRKG1-related conditions. ClinVar contains an entry for this variant (Variation ID: 3656319). Experimental studies and prediction algorithms are not available or were not evaluated, and the functional significance of this variant is currently unknown. In summary, the available evidence is currently insufficient to determine the role of this variant in disease. Therefore, it has been classified as a Variant of Uncertain Significance.

NM_006258.4(PRKG1):c.1995_1996del (p.Asp665fs)

Gene: PRKG1 (protein kinase cGMP-dependent 1; plus strand). Cytogenetic location: 10q21.1.
Variant type: Deletion.
Coding change: c.1995_1996del on transcript NM_006258.4 (MANE Select); coding-DNA positions 1995 to 1996, 2 bases deleted (CA; older notation c.1995_1996delCA).
Protein change: p.Asp665fs; shifts the reading frame from aspartic acid 665.
Molecular consequence: frameshift variant.
Genome position (GRCh38, 1-based): chr10:52,293,834-52,293,835, CA deleted; deleting any 2 consecutive bases within chr10:52,293,833-52,293,835 gives the same sequence; the c. name uses the placement nearest the transcript's 3' end. VCF-style (leftmost placement, unchanged base first): chr10-52293832-GAC-G. GRCh37 (hg19) VCF-style: chr10-54053592-GAC-G.
Other names: c.1950_1951del, p.Asp650fs (NM_001098512.3); c.786_787del, p.Asp262fs (NM_001374781.1); short protein forms D262fs, D650fs, D665fs.
Identifiers: ClinVar variation 3656319 (VCV003656319.2).
Genomic context (GRCh38, chr10:52,293,832, plus strand): 5'-CACTAAAAAAAACCTGTCCATTTTTTACAGGTTGCATCACCCACAGACACAAGTAATTTT[GAC>G]AGTTTCCCTGAGGACAACGATGAACCACCACCTGATGACAACTCAGGATGGGATATAGAC-3'